The following is an entry in ClinVar:

NM_005751.5(AKAP9):c.9652A>G (p.Arg3218Gly)

Gene: AKAP9 (A-kinase anchoring protein 9; plus strand). Cytogenetic location: 7q21.2.
Variant type: single nucleotide variant.
Coding change: c.9652A>G on transcript NM_005751.5 (MANE Select); coding-DNA position 9652, A replaced by G.
Protein change: p.Arg3218Gly; replaces arginine 3218 with glycine.
Molecular consequence: missense variant.
Genome position (GRCh38, 1-based): chr7:92,095,096, A>G. VCF-style: chr7-92095096-A-G. GRCh37 (hg19) VCF-style: chr7-91724410-A-G.
Other names: c.4297A>G, p.Arg1433Gly (NM_001379277.1); c.9628A>G, p.Arg3210Gly (NM_147185.3); short protein forms R1433G, R3210G, R3218G.
Identifiers: ClinVar variation 2793227 (VCV002793227.3), dbSNP rs2535294865, ClinGen allele CA368149436.

ClinVar aggregate classification (germline): Uncertain significance (1 of 4 stars; one submission).

Conditions:
Long QT syndrome (LQTS). Identifiers: MedGen C0023976, MeSH D008133, MONDO:0002442. Disease mechanism: loss of function. Inheritance: Various modes of inheritance.

gnomAD v4.1: 1 of 1,614,198 alleles (0.000062%); highest among the groups gnomAD compares: South Asian, 0.0011%; no homozygotes.

Submission:

Labcorp Genetics (formerly Invitae), Labcorp
Classification: Uncertain significance for Long QT syndrome. Last evaluated: 2023-05-22. Review status: criteria provided, single submitter. Criteria: Invitae Variant Classification Sherloc (09022015). Collection method: clinical testing. Allele origin: germline.
Comment: This variant has not been reported in the literature in individuals affected with AKAP9-related conditions. This variant is not present in population databases (gnomAD no frequency). This sequence change replaces arginine, which is basic and polar, with glycine, which is neutral and non-polar, at codon 3218 of the AKAP9 protein (p.Arg3218Gly). An algorithm developed to predict the effect of missense changes on protein structure and function (PolyPhen-2) suggests that this variant is likely to be disruptive. In summary, the available evidence is currently insufficient to determine the role of this variant in disease. Therefore, it has been classified as a Variant of Uncertain Significance.